The following is an entry in ClinVar:

ClinVar aggregate classification (germline): Uncertain significance (1 of 4 stars; one submission).

Conditions:
Methylcobalamin deficiency type cblG (HMAG). Also called: HOMOCYSTINURIA-MEGALOBLASTIC ANEMIA, cblG COMPLEMENTATION TYPE; HOMOCYSTINURIA-MEGALOBLASTIC ANEMIA, cblG TYPE; Functional methionine synthase deficiency type cblG; HOMOCYSTINURIA-MEGALOBLASTIC ANEMIA DUE TO DEFECT IN COBALAMIN METABOLISM, cblG COMPLEMENTATION TYPE. Identifiers: Orphanet 2170, Orphanet 622, MedGen C1855128, MONDO:0009609, OMIM 250940.

Allele frequency attached by ClinVar (database versions not stated): gnomAD exomes below 0.00001.
gnomAD v4.1: 1 of 1,612,840 alleles (0.000062%); highest among the groups gnomAD compares: South Asian, 0.0011%; no homozygotes.

Submission:

Labcorp Genetics (formerly Invitae), Labcorp
Classification: Uncertain significance for Methylcobalamin deficiency type cblG. Last evaluated: 2022-05-16. Review status: criteria provided, single submitter. Criteria: Invitae Variant Classification Sherloc (09022015). Collection method: clinical testing. Allele origin: germline.
Comment: In summary, the available evidence is currently insufficient to determine the role of this variant in disease. Therefore, it has been classified as a Variant of Uncertain Significance. This sequence change replaces lysine, which is basic and polar, with arginine, which is basic and polar, at codon 1232 of the MTR protein (p.Lys1232Arg). This variant is not present in population databases (gnomAD no frequency). This variant has not been reported in the literature in individuals affected with MTR-related conditions. Algorithms developed to predict the effect of missense changes on protein structure and function output the following: SIFT: "Deleterious"; PolyPhen-2: "Benign"; Align-GVGD: "Class C0". The arginine amino acid residue is found in multiple mammalian species, which suggests that this missense change does not adversely affect protein function. Algorithms developed to predict the effect of sequence changes on RNA splicing suggest that this variant may disrupt the consensus splice site.

NM_000254.3(MTR):c.3695A>G (p.Lys1232Arg)

Gene: MTR (5-methyltetrahydrofolate-homocysteine methyltransferase; plus strand). Cytogenetic location: 1q43.
Variant type: single nucleotide variant.
Coding change: c.3695A>G on transcript NM_000254.3 (MANE Select); coding-DNA position 3695, A replaced by G.
Protein change: p.Lys1232Arg; replaces lysine 1232 with arginine.
Molecular consequence: missense variant.
Genome position (GRCh38, 1-based): chr1:236,897,102, A>G. VCF-style: chr1-236897102-A-G. GRCh37 (hg19) VCF-style: chr1-237060402-A-G.
Other names: c.3542A>G, p.Lys1181Arg (NM_001291939.1); c.2474A>G, p.Lys825Arg (NM_001291940.2); c.3506A>G, p.Lys1169Arg (NM_001410942.1); short protein forms K1181R, K1232R, K1169R, K825R.
Identifiers: ClinVar variation 1948654 (VCV001948654.5), dbSNP rs2528552356, ClinGen allele CA345391936.